The following is an entry in ClinVar:

ClinVar aggregate classification (germline): Uncertain significance. Review status: criteria provided, multiple submitters, no conflicts (2 of 4 stars). 2 submissions from 2 submitters: Uncertain significance (2). Last evaluated 2024-01-03.

Conditions:
Kabuki syndrome. Also called: Kabuki make-up syndrome; NIIKAWA-KUROKI SYNDROME. Identifiers: Orphanet 2322, MedGen C0796004, MONDO:0016512.

Allele frequency attached by ClinVar (database versions not stated): gnomAD exomes below 0.00001; TOPMed below 0.00001; gnomAD 0.00001.
gnomAD v4.1: 6 of 1,613,810 alleles (0.00037%); highest among the groups gnomAD compares: Middle Eastern, 0.016%; no homozygotes.

Submissions (2):

Blueprint Genetics
Classification: Uncertain significance. Last evaluated: 2024-01-03. Review status: criteria provided, single submitter. Criteria: ACMG Guidelines, 2015. Collection method: clinical testing. Allele origin: germline.

Labcorp Genetics (formerly Invitae), Labcorp
Classification: Uncertain significance for Kabuki syndrome. Last evaluated: 2022-08-07. Review status: criteria provided, single submitter. Criteria: Invitae Variant Classification Sherloc (09022015). Collection method: clinical testing. Allele origin: germline.
Comment: This sequence change replaces methionine, which is neutral and non-polar, with leucine, which is neutral and non-polar, at codon 5327 of the KMT2D protein (p.Met5327Leu). This variant is not present in population databases (gnomAD no frequency). This variant has not been reported in the literature in individuals affected with KMT2D-related conditions. Advanced modeling of protein sequence and biophysical properties (such as structural, functional, and spatial information, amino acid conservation, physicochemical variation, residue mobility, and thermodynamic stability) performed at Invitae indicates that this missense variant is not expected to disrupt KMT2D protein function. In summary, the available evidence is currently insufficient to determine the role of this variant in disease. Therefore, it has been classified as a Variant of Uncertain Significance.

NM_003482.4(KMT2D):c.15979A>C (p.Met5327Leu)

Gene: KMT2D (lysine methyltransferase 2D; minus strand). Cytogenetic location: 12q13.12.
Variant type: single nucleotide variant.
Coding change: c.15979A>C on transcript NM_003482.4 (MANE Select); coding-DNA position 15979, A replaced by C.
Protein change: p.Met5327Leu; replaces methionine 5327 with leucine.
Molecular consequence: missense variant.
Genome position (GRCh38, 1-based): chr12:49,024,651, T>G on the plus strand (A>C on the coding strand, the complement: KMT2D is on the minus strand). VCF-style: chr12-49024651-T-G. GRCh37 (hg19) VCF-style: chr12-49418434-T-G.
Other names: short protein forms M5327L.
Identifiers: ClinVar variation 2199569 (VCV002199569.5), dbSNP rs994658006, ClinGen allele CA236631365.